The following continues an entry in ClinVar:

NM_000051.4(ATM):c.649A>G (p.Ile217Val)

Gene: ATM. ClinVar aggregate classification (germline): Conflicting classifications of pathogenicity. Uncertain significance (12); Likely benign (3).

Submissions 12 to 18 of 18:

Color Diagnostics, LLC DBA Color Health
Classification: Uncertain significance for Hereditary cancer-predisposing syndrome. Last evaluated: 2022-11-07. Review status: criteria provided, single submitter. Criteria: ACMG Guidelines, 2015. Collection method: clinical testing. Allele origin: germline.
Comment: This missense variant replaces isoleucine with valine at codon 217 of the ATM protein. Computational prediction suggests that this variant may not impact protein structure and function (internally defined REVEL score threshold <= 0.5, PMID: 27666373). To our knowledge, functional studies have not been reported for this variant. In a large international case-control study, this variant was reported in 2/60466 breast cancer cases and absent in 53461 controls (PMID: 33471991). This variant has been identified in 4/282528 chromosomes in the general population by the Genome Aggregation Database (gnomAD). The available evidence is insufficient to determine the role of this variant in disease conclusively. Therefore, this variant is classified as a Variant of Uncertain Significance.

ARUP Laboratories, Molecular Genetics and Genomics, ARUP Laboratories
Classification: Uncertain significance. Last evaluated: 2022-05-05. Review status: criteria provided, single submitter. Criteria: ARUP Molecular Germline Variant Investigation Process 2021. Collection method: clinical testing. Allele origin: germline.
Comment: The ATM c.649A>G; p.Ile217Val variant (rs547045780), to our knowledge, is not reported in the medical literature but is reported in ClinVar (Variation ID: 133639). This variant is only observed on four alleles in the Genome Aggregation Database, indicating it is not a common polymorphism. The isoleucine at codon 217 is weakly conserved, and computational analyses predict that this variant is neutral (REVEL: 0.059). Due to limited information, the clinical significance of the p.Ile217Val variant is uncertain at this time.

Sema4
Classification: Uncertain significance for Hereditary cancer-predisposing syndrome. Last evaluated: 2021-08-18. Review status: criteria provided, single submitter. Criteria: Sema4 Curation Guidelines. Collection method: curation. Allele origin: germline.
Comment: The ATM c.649A>G (p.I217V) variant has been reported in heterozygosity in at least two individuals with breast cancer (PMID: 33471991). It has also been seen in one individual with prostate cancer and at least one healthy individual (PMID: 29659569, 24728327). It was observed in 4/282528 chromosomes of the large and broad cohorts of the Genome Aggregation Database (PMID: 32461654). The variant has been reported in ClinVar (Variation ID 133639). In silico tools suggest the impact of the variant on protein function is benign, though these predictions have not been confirmed by functional studies. The evidence is insufficient to meet ACMG/AMP criteria for classifying the variant as benign or pathogenic. Thus, the clinical significance of this variant is currently uncertain.

Breakthrough Genomics
Classification: Uncertain significance. Review status: criteria provided, single submitter. Criteria: ACMG Guidelines, 2015. Collection method: not provided. Allele origin: germline. Inheritance: Autosomal recessive inheritance. Affected: yes.

Natera, Inc.
Classification: Uncertain significance for Ataxia-telangiectasia. Last evaluated: 2020-03-19. Review status: no assertion criteria provided. Collection method: clinical testing. Allele origin: germline. Not counted in ClinVar's aggregate classification.

Counsyl
Classification: Uncertain significance for Ataxia-telangiectasia syndrome. Last evaluated: 2017-03-06. Review status: no assertion criteria provided. Collection method: clinical testing. Allele origin: unknown. Not counted in ClinVar's aggregate classification.

ITMI
No classification provided. Condition: AllHighlyPenetrant. Last evaluated: 2013-09-19. Review status: no classification provided. Collection method: reference population. Allele origin: germline. Not counted in ClinVar's aggregate classification.
Comment: Please see associated publication for description of ethnicities

Literature cited by the submitters: PubMed 29659569 (cited by 3 submitters); PubMed 33471991 (cited by 6 submitters); PubMed 35451682 (cited by 3 submitters); PubMed 25085752 (cited by Myriad Genetics, Inc.); PubMed 24728327 (cited by 5 submitters); PubMed 31206626 (cited by Ambry Genetics).